The following is an entry in ClinVar:

ClinVar aggregate classification (germline): Pathogenic/Likely pathogenic. Review status: criteria provided, multiple submitters, no conflicts (2 of 4 stars). 2 submissions from 2 submitters: Pathogenic (1); Likely pathogenic (1). Last evaluated 2021-10-20.

Conditions:
Cardiovascular phenotype. Identifiers: MedGen CN230736.
Hypertrophic cardiomyopathy. Also called: HYPERTROPHIC MYOCARDIOPATHY. Identifiers: Orphanet 217569, MedGen C0007194, MeSH D002312, MONDO:0005045, HP:0001639.

Submissions (2):

Labcorp Genetics (formerly Invitae), Labcorp
Classification: Pathogenic for Hypertrophic cardiomyopathy. Last evaluated: 2021-10-20. Review status: criteria provided, single submitter. Criteria: Invitae Variant Classification Sherloc (09022015). Collection method: clinical testing. Allele origin: germline.
Comment: This sequence change creates a premature translational stop signal (p.Val38Argfs*28) in the MYBPC3 gene. It is expected to result in an absent or disrupted protein product. Loss-of-function variants in MYBPC3 are known to be pathogenic (PMID: 19574547). For these reasons, this variant has been classified as Pathogenic. This variant has not been reported in the literature in individuals affected with MYBPC3-related conditions. This variant is not present in population databases (gnomAD no frequency).

Molecular Diagnostic Laboratory for Inherited Cardiovascular Disease, Montreal Heart Institute
Classification: Likely pathogenic for Cardiovascular phenotype. Last evaluated: 2021-09-01. Review status: criteria provided, single submitter. Criteria: ACMG Guidelines, 2015. Collection method: clinical testing. Allele origin: germline. Affected: yes.

Literature cited by the submitters: PubMed 19574547 (cited by Labcorp Genetics (formerly Invitae), Labcorp).

NM_000256.3(MYBPC3):c.112_115del (p.Val38fs)

Gene: MYBPC3 (myosin binding protein C3; minus strand). Cytogenetic location: 11p11.2.
Variant type: Deletion.
Coding change: c.112_115del on transcript NM_000256.3 (MANE Select); coding-DNA positions 112 to 115, 4 bases deleted (GTGA; older notation c.112_115delGTGA).
Protein change: p.Val38fs; shifts the reading frame from valine 38.
Molecular consequence: frameshift variant.
Genome position (GRCh38, 1-based): chr11:47,351,416-47,351,419, TCAC deleted on the plus strand (GTGA on the coding strand, the reverse complement: MYBPC3 is on the minus strand); deleting any 4 consecutive bases within chr11:47,351,416-47,351,421 gives the same sequence; the c. name uses the placement nearest the transcript's 3' end. VCF-style (leftmost placement, unchanged base first): chr11-47351415-TTCAC-T. GRCh37 (hg19) VCF-style: chr11-47372966-TTCAC-T.
Other names: short protein forms V38fs.
Identifiers: ClinVar variation 1455905 (VCV001455905.7), dbSNP rs2142869736, ClinGen allele CA2573147279.